The following is an entry in ClinVar:

ClinVar aggregate classification (germline): Pathogenic (1 of 4 stars; one submission).

Submission:

Labcorp Genetics (formerly Invitae), Labcorp
Classification: Pathogenic. Last evaluated: 2024-12-16. Review status: criteria provided, single submitter. Criteria: Invitae Variant Classification Sherloc (09022015). Collection method: clinical testing. Allele origin: germline.
Comment: This sequence change creates a premature translational stop signal (p.Gly402Glufs*29) in the FZD4 gene. While this is not anticipated to result in nonsense mediated decay, it is expected to disrupt the last 136 amino acid(s) of the FZD4 protein. This variant is not present in population databases (gnomAD no frequency). This variant has not been reported in the literature in individuals affected with FZD4-related conditions. ClinVar contains an entry for this variant (Variation ID: 1396559). This variant disrupts a region of the FZD4 protein in which other variant(s) (p.Gln505*) have been determined to be pathogenic (PMID: 15223780, 23077402). This suggests that this is a clinically significant region of the protein, and that variants that disrupt it are likely to be disease-causing. For these reasons, this variant has been classified as Pathogenic.

Literature cited by the submitters: PubMed 15223780; PubMed 23077402.

NM_012193.4(FZD4):c.1205del (p.Gly402fs)

Genes: FZD4 (frizzled class receptor 4; minus strand), PRSS23 (serine protease 23; plus strand). Cytogenetic location: 11q14.2.
Variant type: Deletion.
Coding change: c.1205del on transcript NM_012193.4 (MANE Select); coding-DNA position 1205, one base deleted (G; older notation c.1205delG).
Protein change: p.Gly402fs; shifts the reading frame from glycine 402.
Molecular consequence: frameshift variant. On other transcripts: non-coding transcript variant (2).
Genome position (GRCh38, 1-based): chr11:86,951,551, C deleted on the plus strand (G on the coding strand, the reverse complement: FZD4 is on the minus strand); the first of 2 consecutive C bases (chr11:86,951,551-86,951,552); deleting either gives the same sequence. VCF-style (leftmost placement, unchanged base first): chr11-86951550-TC-T. GRCh37 (hg19) VCF-style: chr11-86662592-TC-T.
Other names: short protein forms G402fs.
Identifiers: ClinVar variation 1396559 (VCV001396559.8), dbSNP rs2135040415, ClinGen allele CA2573147786.